The following is an entry in ClinVar:

NM_003640.5(ELP1):c.3460+1G>A

Gene: ELP1 (elongator acetyltransferase complex subunit 1; minus strand). Cytogenetic location: 9q31.3.
Variant type: single nucleotide variant.
Coding change: c.3460+1G>A on transcript NM_003640.5 (MANE Select); the canonical splice donor site of the intron after coding-DNA position 3460, G replaced by A.
Molecular consequence: splice donor variant.
Genome position (GRCh38, 1-based): chr9:108,880,051, C>T on the plus strand (G>A on the coding strand, the complement: ELP1 is on the minus strand). VCF-style: chr9-108880051-C-T. GRCh37 (hg19) VCF-style: chr9-111642331-C-T.
Other names: c.3118+1G>A (NM_001318360.2); c.2413+1G>A (NM_001330749.2).
Identifiers: ClinVar variation 1066986 (VCV001066986.10), dbSNP rs1478450302, ClinGen allele CA374412063.

ClinVar aggregate classification (germline): Likely pathogenic. Review status: criteria provided, multiple submitters, no conflicts (2 of 4 stars). 3 submissions from 3 submitters: Likely pathogenic (2). 1 of the submissions does not count toward it. Last evaluated 2024-01-18.

Conditions:
Medulloblastoma (MDB). Also called: MEDULLOBLASTOMA PREDISPOSITION SYNDROME; Medulloblastoma, somatic. Identifiers: Orphanet 616, MedGen C0025149, MeSH D008527, MONDO:0007959, OMIM 155255, HP:0002885.
Familial dysautonomia. Also called: HSAN III; FD. Identifiers: Orphanet 1764, MedGen C0013364, MONDO:0009131, OMIM 223900. Disease mechanism: loss of function.

Allele frequency attached by ClinVar (database versions not stated): gnomAD exomes below 0.00001 and 0.00001.
gnomAD v4.1: 14 of 1,605,542 alleles (0.00087%); highest among the groups gnomAD compares: Non-Finnish European, 0.0012%; no homozygotes.

Submissions (3):

Fulgent Genetics
Classification: Likely pathogenic for Medulloblastoma; Familial dysautonomia. Last evaluated: 2024-01-18. Review status: criteria provided, single submitter. Criteria: ACMG Guidelines, 2015. Collection method: clinical testing. Allele origin: germline.

Labcorp Genetics (formerly Invitae), Labcorp
Classification: Likely pathogenic. Last evaluated: 2023-11-02. Review status: criteria provided, single submitter. Criteria: Invitae Variant Classification Sherloc (09022015). Collection method: clinical testing. Allele origin: germline.
Comment: This sequence change affects a donor splice site in intron 32 of the ELP1 gene. It is expected to disrupt RNA splicing. Variants that disrupt the donor or acceptor splice site typically lead to a loss of protein function (PMID: 16199547), and loss-of-function variants in ELP1 are known to be pathogenic (PMID: 18303054, 24173031). This variant is present in population databases (no rsID available, gnomAD 0.0009%). This variant has not been reported in the literature in individuals affected with ELP1-related conditions. ClinVar contains an entry for this variant (Variation ID: 1066986). Algorithms developed to predict the effect of sequence changes on RNA splicing suggest that this variant may disrupt the consensus splice site. In summary, the currently available evidence indicates that the variant is pathogenic, but additional data are needed to prove that conclusively. Therefore, this variant has been classified as Likely Pathogenic.

Natera, Inc.
Classification: Likely pathogenic for Familial dysautonomia. Last evaluated: 2021-09-10. Review status: no assertion criteria provided. Collection method: clinical testing. Allele origin: germline. Not counted in ClinVar's aggregate classification.

Literature cited by the submitters: PubMed 16199547 (cited by Labcorp Genetics (formerly Invitae), Labcorp); PubMed 18303054 (cited by Labcorp Genetics (formerly Invitae), Labcorp); PubMed 24173031 (cited by Labcorp Genetics (formerly Invitae), Labcorp).